The following is an entry in ClinVar:

NM_000452.3(SLC10A2):c.115A>G (p.Thr39Ala)

Gene: SLC10A2 (solute carrier family 10 member 2; minus strand). Cytogenetic location: 13q33.1.
Variant type: single nucleotide variant.
Coding change: c.115A>G on transcript NM_000452.3 (MANE Select); coding-DNA position 115, A replaced by G.
Protein change: p.Thr39Ala; replaces threonine 39 with alanine.
Molecular consequence: missense variant.
Genome position (GRCh38, 1-based): chr13:103,066,135, T>C on the plus strand (A>G on the coding strand, the complement: SLC10A2 is on the minus strand). VCF-style: chr13-103066135-T-C. GRCh37 (hg19) VCF-style: chr13-103718485-T-C.
Other names: short protein forms T39A.
Identifiers: ClinVar variation 3697519 (VCV003697519.2).

ClinVar aggregate classification (germline): Uncertain significance (1 of 4 stars; one submission).

gnomAD v4.1: 1 of 1,614,072 alleles (0.000062%); highest among the groups gnomAD compares: Non-Finnish European, 0.000085%; no homozygotes.

Submission:

Labcorp Genetics (formerly Invitae), Labcorp
Classification: Uncertain significance. Last evaluated: 2024-11-11. Review status: criteria provided, single submitter. Criteria: Invitae Variant Classification Sherloc (09022015). Collection method: clinical testing. Allele origin: germline.
Comment: This sequence change replaces threonine, which is neutral and polar, with alanine, which is neutral and non-polar, at codon 39 of the SLC10A2 protein (p.Thr39Ala). This variant is present in population databases (no rsID available, gnomAD 0.002%). This variant has not been reported in the literature in individuals affected with SLC10A2-related conditions. Invitae Evidence Modeling of protein sequence and biophysical properties (such as structural, functional, and spatial information, amino acid conservation, physicochemical variation, residue mobility, and thermodynamic stability) indicates that this missense variant is not expected to disrupt SLC10A2 protein function with a negative predictive value of 80%. In summary, the available evidence is currently insufficient to determine the role of this variant in disease. Therefore, it has been classified as a Variant of Uncertain Significance.